The following is an entry in ClinVar:

ClinVar aggregate classification (germline): Likely benign. Review status: criteria provided, multiple submitters, no conflicts (2 of 4 stars). 3 submissions from 3 submitters: Likely benign (3). Last evaluated 2025-07-02.

Allele frequency attached by ClinVar (database versions not stated): gnomAD 0.00001; TOPMed 0.00004; gnomAD exomes 0.00006 and 0.00007; ExAC 0.00007.
gnomAD v4.1: 109 of 1,613,686 alleles (0.0068%); highest among the groups gnomAD compares: Middle Eastern, 0.099%; 1 homozygote.

Submissions (3):

Labcorp Genetics (formerly Invitae), Labcorp
Classification: Likely benign. Last evaluated: 2025-07-02. Review status: criteria provided, single submitter. Criteria: Invitae Variant Classification Sherloc (09022015). Collection method: clinical testing. Allele origin: germline.

Blueprint Genetics
Classification: Likely benign. Last evaluated: 2024-09-06. Review status: criteria provided, single submitter. Criteria: ACMG Guidelines, 2015. Collection method: clinical testing. Allele origin: germline.

CeGaT Center for Human Genetics Tuebingen
Classification: Likely benign. Last evaluated: 2022-07-01. Review status: criteria provided, single submitter. Criteria: CeGaT Center For Human Genetics Tuebingen Variant Classification Criteria Version 2. Collection method: clinical testing. Allele origin: germline. Affected: yes. Observed: 1 variant allele.
Comment: ADSS1: BP4, BP7

NM_152328.5(ADSS1):c.1242A>G (p.Thr414=)

Gene: ADSS1 (adenylosuccinate synthase 1; plus strand). Cytogenetic location: 14q32.33.
Variant type: single nucleotide variant.
Coding change: c.1242A>G on transcript NM_152328.5 (MANE Select); coding-DNA position 1242, A replaced by G.
Protein change: p.Thr414=; no amino-acid change (threonine 414 retained).
Molecular consequence: synonymous variant.
Genome position (GRCh38, 1-based): chr14:104,746,306, A>G. VCF-style: chr14-104746306-A-G. GRCh37 (hg19) VCF-style: chr14-105212643-A-G.
Other names: c.627A>G, p.Thr209= (NM_001320424.1); c.1371A>G, p.Thr457= (NM_199165.2).
Identifiers: ClinVar variation 1682022 (VCV001682022.34), dbSNP rs532710620, ClinGen allele CA7374070.